The following is an entry in ClinVar:

NM_000081.4(LYST):c.5023+1G>A

Gene: LYST (lysosomal trafficking regulator; minus strand). Cytogenetic location: 1q42.3.
Variant type: single nucleotide variant.
Coding change: c.5023+1G>A on transcript NM_000081.4 (MANE Select); the canonical splice donor site of the intron after coding-DNA position 5023, G replaced by A.
Molecular consequence: splice donor variant.
Genome position (GRCh38, 1-based): chr1:235,781,926, C>T on the plus strand (G>A on the coding strand, the complement: LYST is on the minus strand). VCF-style: chr1-235781926-C-T. GRCh37 (hg19) VCF-style: chr1-235945226-C-T.
Other names: c.5023+1G>A (NM_001301365.1).
Identifiers: ClinVar variation 2112626 (VCV002112626.4), dbSNP rs2528042451, ClinGen allele CA344955782.

ClinVar aggregate classification (germline): Likely pathogenic (1 of 4 stars; one submission).

Conditions:
Chédiak-Higashi syndrome (CHS). Also called: Chediak-Higashi Syndrome. Identifiers: Orphanet 167, MedGen C0007965, MONDO:0008963, OMIM 214500.

Submission:

Labcorp Genetics (formerly Invitae), Labcorp
Classification: Likely pathogenic for Chédiak-Higashi syndrome. Last evaluated: 2022-03-15. Review status: criteria provided, single submitter. Criteria: Invitae Variant Classification Sherloc (09022015). Collection method: clinical testing. Allele origin: germline.
Comment: This variant has not been reported in the literature in individuals affected with LYST-related conditions. Algorithms developed to predict the effect of sequence changes on RNA splicing suggest that this variant may disrupt the consensus splice site. In summary, the currently available evidence indicates that the variant is pathogenic, but additional data are needed to prove that conclusively. Therefore, this variant has been classified as Likely Pathogenic. This variant is not present in population databases (gnomAD no frequency). This sequence change affects a donor splice site in intron 15 of the LYST gene. It is expected to disrupt RNA splicing. Variants that disrupt the donor or acceptor splice site typically lead to a loss of protein function (PMID: 16199547), and loss-of-function variants in LYST are known to be pathogenic (PMID: 9215679, 11857544).

Literature cited by the submitters: PubMed 16199547; PubMed 9215679; PubMed 11857544.